The following is an entry in ClinVar:

NM_004525.3(LRP2):c.9945C>A (p.Asn3315Lys)

Gene: LRP2 (LDL receptor related protein 2; minus strand). Cytogenetic location: 2q31.1.
Variant type: single nucleotide variant.
Coding change: c.9945C>A on transcript NM_004525.3 (MANE Select); coding-DNA position 9945, C replaced by A.
Protein change: p.Asn3315Lys; replaces asparagine 3315 with lysine.
Molecular consequence: missense variant.
Genome position (GRCh38, 1-based): chr2:169,182,220, G>T on the plus strand (C>A on the coding strand, the complement: LRP2 is on the minus strand). VCF-style: chr2-169182220-G-T. GRCh37 (hg19) VCF-style: chr2-170038730-G-T.
Other names: c.9945C>A (NM_004525.2); short protein forms N3315K.
Identifiers: ClinVar variation 1416003 (VCV001416003.10), dbSNP rs201808907, ClinGen allele CA1953479.

ClinVar aggregate classification (germline): Uncertain significance. Review status: criteria provided, multiple submitters, no conflicts (2 of 4 stars). 4 submissions from 4 submitters: Uncertain significance (4). Last evaluated 2025-11-15.

Conditions:
Donnai-Barrow syndrome. Also called: DBS/FOAR SYNDROME; FACIOOCULOACOUSTICORENAL SYNDROME. Identifiers: Orphanet 2143, MedGen C1857277, MONDO:0009104, OMIM 222448.
Inborn genetic diseases. Identifiers: MedGen C0950123, MeSH D030342.

Allele frequency attached by ClinVar (database versions not stated): gnomAD exomes 0.00001 and 0.00003; ExAC 0.00002; gnomAD 0.00007 and 0.00009; TOPMed 0.00007.
gnomAD v4.1: 29 of 1,614,068 alleles (0.0018%); highest among the groups gnomAD compares: African/African-American, 0.021%; no homozygotes.

Submissions (4):

Labcorp Genetics (formerly Invitae), Labcorp
Classification: Uncertain significance. Last evaluated: 2025-11-15. Review status: criteria provided, single submitter. Criteria: Invitae Variant Classification Sherloc (09022015). Collection method: clinical testing. Allele origin: germline.
Comment: This sequence change replaces asparagine, which is neutral and polar, with lysine, which is basic and polar, at codon 3315 of the LRP2 protein (p.Asn3315Lys). This variant is present in population databases (rs201808907, gnomAD 0.02%). This variant has not been reported in the literature in individuals affected with LRP2-related conditions. ClinVar contains an entry for this variant (Variation ID: 1416003). Invitae Evidence Modeling of protein sequence and biophysical properties (such as structural, functional, and spatial information, amino acid conservation, physicochemical variation, residue mobility, and thermodynamic stability) indicates that this missense variant is expected to disrupt LRP2 protein function with a positive predictive value of 95%. In summary, the available evidence is currently insufficient to determine the role of this variant in disease. Therefore, it has been classified as a Variant of Uncertain Significance.

Ambry Genetics
Classification: Uncertain significance for Inborn genetic diseases. Last evaluated: 2025-06-10. Review status: criteria provided, single submitter. Criteria: Ambry Variant Classification Scheme 2023. Collection method: clinical testing. Allele origin: germline.

Fulgent Genetics
Classification: Uncertain significance for Donnai-Barrow syndrome. Last evaluated: 2022-02-02. Review status: criteria provided, single submitter. Criteria: ACMG Guidelines, 2015. Collection method: clinical testing. Allele origin: unknown.

Blueprint Genetics
Classification: Uncertain significance. Last evaluated: 2022-01-13. Review status: criteria provided, single submitter. Criteria: ACMG Guidelines, 2015. Collection method: clinical testing. Allele origin: germline.